The following is an entry in ClinVar:

ClinVar aggregate classification (germline): Likely pathogenic (1 of 4 stars; one submission).

Conditions:
Acrocephalosyndactyly type I (ACS1). Also called: Acrocephalo-syndactyly type 1; ACS 1; Syndactylic oxycephaly; Apert syndrome. Identifiers: Orphanet 87, MedGen C0001193, MONDO:0007041, OMIM 101200.

Submission:

Klinisk genetik och genomik Research, Gothenburg University
Classification: Likely pathogenic for Acrocephalosyndactyly type I. Last evaluated: 2023-11-09. Review status: criteria provided, single submitter. Criteria: ACMG Guidelines, 2015. Collection method: research. Allele origin: de novo. Affected: yes.
Comment: Syndromic multisuture craniosynostosis

NM_000141.5:c.940-19_940-18insAlu

Gene: FGFR2 (fibroblast growth factor receptor 2; minus strand).
Variant type: Insertion.
Other names: c.940-19_940-18insAlu (NM_000141.5).
Identifiers: ClinVar variation 2664499 (VCV002664499.1).